The following is an entry in ClinVar:

NM_005529.7(HSPG2):c.1750G>A (p.Asp584Asn)

Gene: HSPG2 (heparan sulfate proteoglycan 2; minus strand). Cytogenetic location: 1p36.12.
Variant type: single nucleotide variant.
Coding change: c.1750G>A on transcript NM_005529.7 (MANE Select); coding-DNA position 1750, G replaced by A.
Protein change: p.Asp584Asn; replaces aspartic acid 584 with asparagine.
Molecular consequence: missense variant.
Genome position (GRCh38, 1-based): chr1:21,881,407, C>T on the plus strand (G>A on the coding strand, the complement: HSPG2 is on the minus strand). VCF-style: chr1-21881407-C-T. GRCh37 (hg19) VCF-style: chr1-22207900-C-T.
Other names: c.1753G>A, p.Asp585Asn (NM_001291860.2); c.1750G>A (NM_005529.5); short protein forms D584N, D585N.
Identifiers: ClinVar variation 2148806 (VCV002148806.7), dbSNP rs746499380, ClinGen allele CA673314.

ClinVar aggregate classification (germline): Uncertain significance. Review status: criteria provided, multiple submitters, no conflicts (2 of 4 stars). 2 submissions from 2 submitters: Uncertain significance (2). Last evaluated 2023-03-08.

Allele frequency attached by ClinVar (database versions not stated): ExAC 0.00001; gnomAD 0.00001; gnomAD exomes 0.00001; TOPMed 0.00002.
gnomAD v4.1: 16 of 1,613,962 alleles (0.00099%); highest among the groups gnomAD compares: African/African-American, 0.0027%; no homozygotes.

Submissions (2):

Labcorp Genetics (formerly Invitae), Labcorp
Classification: Uncertain significance. Last evaluated: 2023-03-08. Review status: criteria provided, single submitter. Criteria: Invitae Variant Classification Sherloc (09022015). Collection method: clinical testing. Allele origin: germline.
Comment: This sequence change replaces aspartic acid, which is acidic and polar, with asparagine, which is neutral and polar, at codon 584 of the HSPG2 protein (p.Asp584Asn). In summary, the available evidence is currently insufficient to determine the role of this variant in disease. Therefore, it has been classified as a Variant of Uncertain Significance. An algorithm developed to predict the effect of missense changes on protein structure and function (PolyPhen-2) suggests that this variant is likely to be disruptive. ClinVar contains an entry for this variant (Variation ID: 2148806). This variant has not been reported in the literature in individuals affected with HSPG2-related conditions. This variant is present in population databases (rs746499380, gnomAD 0.003%).

Revvity Omics, Revvity
Classification: Uncertain significance. Last evaluated: 2019-06-17. Review status: criteria provided, single submitter. Criteria: ACMG Guidelines, 2015. Collection method: clinical testing. Allele origin: germline.